The following is an entry in ClinVar:

ClinVar aggregate classification (germline): Likely benign (0 of 4 stars; one submission).

Conditions:
TCF20-related disorder. Also called: TCF20-related condition.

Allele frequency attached by ClinVar (database versions not stated): ExAC 0.00064; 1000 Genomes Project 30x 0.00109; 1000 Genomes Project 0.00120; gnomAD 0.00132; ESP Exome Variant Server 0.00154.
gnomAD v4.1: 344 of 1,600,764 alleles (0.021%); highest among the groups gnomAD compares: African/African-American, 0.42%; 2 homozygotes.

Submission:

PreventionGenetics, part of Exact Sciences
Classification: Likely benign for TCF20-related condition. Last evaluated: 2024-02-18. Review status: no assertion criteria provided. Collection method: clinical testing. Allele origin: germline.
Comment: This variant is classified as likely benign based on ACMG/AMP sequence variant interpretation guidelines (Richards et al. 2015 PMID: 25741868, with internal and published modifications).

NM_001378418.1(TCF20):c.*2G>T

Gene: TCF20 (transcription factor 20; minus strand). Cytogenetic location: 22q13.2.
Variant type: single nucleotide variant.
Coding change: c.*2G>T on transcript NM_001378418.1 (MANE Select); 2 bases downstream of the stop codon, G replaced by T.
Molecular consequence: 3 prime UTR variant. On other transcripts: intron variant (1).
Genome position (GRCh38, 1-based): chr22:42,168,651, C>A on the plus strand (G>T on the coding strand, the complement: TCF20 is on the minus strand). VCF-style: chr22-42168651-C-A. GRCh37 (hg19) VCF-style: chr22-42564657-C-A.
Other names: c.*2G>T (NM_005650.4); c.5799+1196G>T (NM_181492.3).
Identifiers: ClinVar variation 3056920 (VCV003056920.2), dbSNP rs142222254, ClinGen allele CA10266304.